The following is an entry in ClinVar:

NM_004360.5(CDH1):c.1158G>T (p.Glu386Asp)

Gene: CDH1 (cadherin 1; plus strand). Cytogenetic location: 16q22.1.
Variant type: single nucleotide variant.
Coding change: c.1158G>T on transcript NM_004360.5 (MANE Select); coding-DNA position 1158, G replaced by T.
Protein change: p.Glu386Asp; replaces glutamic acid 386 with aspartic acid.
Molecular consequence: missense variant. On other transcripts: 5 prime UTR variant (2), intron variant (1).
Genome position (GRCh38, 1-based): chr16:68,813,333, G>T. VCF-style: chr16-68813333-G-T. GRCh37 (hg19) VCF-style: chr16-68847236-G-T.
Other names: c.1158G>T (NM_004360.3); c.-458G>T (NM_001317185.2); c.-662G>T (NM_001317186.2); c.1137+1070G>T (NM_001317184.2); short protein forms E386D.
Identifiers: ClinVar variation 1055722 (VCV001055722.12), dbSNP rs2152133333, ClinGen allele CA396461082.

ClinVar aggregate classification (germline): Uncertain significance. Review status: criteria provided, multiple submitters, no conflicts (2 of 4 stars). 3 submissions from 3 submitters: Uncertain significance (3). Last evaluated 2026-07-02.

Conditions:
Hereditary diffuse gastric adenocarcinoma (HDGC). Also called: DIFFUSE GASTRIC AND LOBULAR BREAST CANCER SYNDROME. Identifiers: Orphanet 26106, MedGen C1708349, MONDO:0007648, OMIM 137215.
Familial cancer of breast. Also called: Hereditary breast cancer; hereditary breast carcinoma; BREAST CANCER, FAMILIAL. Identifiers: Orphanet 227535, MedGen C0346153, MONDO:0016419, OMIM 114480. Disease mechanism: loss of function.
Hereditary cancer-predisposing syndrome. Also called: Tumor predisposition; Hereditary Cancer Syndrome; Hereditary neoplastic syndrome; Neoplastic Syndromes, Hereditary. Identifiers: Orphanet 140162, MedGen C0027672, MeSH D009386, MONDO:0015356.

gnomAD v4.1: 1 of 1,614,160 alleles (0.000062%); highest among the groups gnomAD compares: Non-Finnish European, 0.000085%; no homozygotes.

Submissions (3):

Ambry Genetics
Classification: Uncertain significance for Hereditary cancer-predisposing syndrome. Last evaluated: 2026-07-02. Review status: criteria provided, single submitter. Criteria: Ambry Variant Classification Scheme 2023. Collection method: clinical testing. Allele origin: germline.
Comment: The p.E386D variant (also known as c.1158G>T), located in coding exon 9 of the CDH1 gene, results from a G to T substitution at nucleotide position 1158. The glutamic acid at codon 386 is replaced by aspartic acid, an amino acid with highly similar properties. This amino acid position is conserved. In addition, this alteration is predicted to be deleterious by in silico analysis. Based on the available evidence, the clinical significance of this variant remains unclear.

Labcorp Genetics (formerly Invitae), Labcorp
Classification: Uncertain significance for Hereditary diffuse gastric adenocarcinoma. Last evaluated: 2025-02-06. Review status: criteria provided, single submitter. Criteria: Invitae Variant Classification Sherloc (09022015). Collection method: clinical testing. Allele origin: germline.
Comment: This sequence change replaces glutamic acid, which is acidic and polar, with aspartic acid, which is acidic and polar, at codon 386 of the CDH1 protein (p.Glu386Asp). This variant is not present in population databases (gnomAD no frequency). This variant has not been reported in the literature in individuals affected with CDH1-related conditions. ClinVar contains an entry for this variant (Variation ID: 1055722). An algorithm developed to predict the effect of missense changes on protein structure and function (PolyPhen-2) suggests that this variant is likely to be disruptive. In summary, the available evidence is currently insufficient to determine the role of this variant in disease. Therefore, it has been classified as a Variant of Uncertain Significance.

Baylor Genetics
Classification: Uncertain significance for Familial cancer of breast. Last evaluated: 2023-05-11. Review status: criteria provided, single submitter. Criteria: ACMG Guidelines, 2015. Collection method: clinical testing. Allele origin: unknown.